The following is an entry in ClinVar:

ClinVar aggregate classification (germline): Pathogenic (1 of 4 stars; one submission).

Conditions:
Tyrosinase-positive oculocutaneous albinism (OCA2). Also called: ALBINISM II; Oculocutaneous albinism type 2; Albinism, oculocutaneous, type II. Identifiers: Orphanet 79432, MedGen C0268495, MONDO:0008746, OMIM 203200.

Submission:

Myriad Genetics, Inc.
Classification: Pathogenic for Tyrosinase-positive oculocutaneous albinism. Last evaluated: 2026-03-06. Review status: criteria provided, single submitter. Criteria: Myriad Autosomal Dominant, Autosomal Recessive and X-Linked Classification Criteria (2023). Collection method: clinical testing. Allele origin: unknown.
Comment: NM_000275.2(OCA2):c.1681delA(I561Sfs*67) is expected to be pathogenic in the context of oculocutaneous albinism, OCA2-related. This variant is predicted to lead to an abnormal or absent protein product due to the creation of a premature termination codon in OCA2, a gene where loss-of-function variants are known to be pathogenic. Please note: this variant was assessed in the context of healthy population screening.

NM_000275.3(OCA2):c.1681del (p.Ile561fs)

Gene: OCA2 (OCA2 melanosomal transmembrane protein; minus strand). Cytogenetic location: 15q13.1.
Variant type: Deletion.
Coding change: c.1681del on transcript NM_000275.3 (MANE Select); coding-DNA position 1681, one base deleted (A; older notation c.1681delA).
Protein change: p.Ile561fs; shifts the reading frame from isoleucine 561.
Molecular consequence: frameshift variant.
Genome position (GRCh38, 1-based): chr15:27,957,691, T deleted on the plus strand (A on the coding strand, the reverse complement: OCA2 is on the minus strand). VCF-style (leftmost placement, unchanged base first): chr15-27957690-AT-A. GRCh37 (hg19) VCF-style: chr15-28202836-AT-A.
Other names: c.1609del, p.Ile537fs (NM_001300984.2); short protein forms I537fs, I561fs.
Identifiers: ClinVar variation 5015648 (VCV005015648.1).